The following is an entry in ClinVar:

NM_014176.4(UBE2T):c.430A>G (p.Arg144Gly)

Gene: UBE2T (ubiquitin conjugating enzyme E2 T; minus strand). Cytogenetic location: 1q32.1.
Variant type: single nucleotide variant.
Coding change: c.430A>G on transcript NM_014176.4 (MANE Select); coding-DNA position 430, A replaced by G.
Protein change: p.Arg144Gly; replaces arginine 144 with glycine.
Molecular consequence: missense variant.
Genome position (GRCh38, 1-based): chr1:202,333,048, T>C on the plus strand (A>G on the coding strand, the complement: UBE2T is on the minus strand). VCF-style: chr1-202333048-T-C. GRCh37 (hg19) VCF-style: chr1-202302176-T-C.
Other names: c.340A>G, p.Arg114Gly (NM_001310326.2); short protein forms R144G, R114G.
Identifiers: ClinVar variation 3721412 (VCV003721412.2).

ClinVar aggregate classification (germline): Uncertain significance (1 of 4 stars; one submission).

gnomAD v4.1: 1 of 1,613,532 alleles (0.000062%); highest among the groups gnomAD compares: Admixed American, 0.0017%; no homozygotes.

Submission:

Labcorp Genetics (formerly Invitae), Labcorp
Classification: Uncertain significance. Last evaluated: 2024-09-30. Review status: criteria provided, single submitter. Criteria: Invitae Variant Classification Sherloc (09022015). Collection method: clinical testing. Allele origin: germline.
Comment: This sequence change replaces arginine, which is basic and polar, with glycine, which is neutral and non-polar, at codon 144 of the UBE2T protein (p.Arg144Gly). This variant is not present in population databases (gnomAD no frequency). This variant has not been reported in the literature in individuals affected with UBE2T-related conditions. An algorithm developed to predict the effect of missense changes on protein structure and function (PolyPhen-2) suggests that this variant is likely to be disruptive. In summary, the available evidence is currently insufficient to determine the role of this variant in disease. Therefore, it has been classified as a Variant of Uncertain Significance.